The following is an entry in ClinVar:

NM_021076.4(NEFH):c.2907C>T (p.Pro969=)

Gene: NEFH (neurofilament heavy chain; plus strand). Cytogenetic location: 22q12.2.
Variant type: single nucleotide variant.
Coding change: c.2907C>T on transcript NM_021076.4 (MANE Select); coding-DNA position 2907, C replaced by T.
Protein change: p.Pro969=; no amino-acid change (proline 969 retained).
Molecular consequence: synonymous variant.
Genome position (GRCh38, 1-based): chr22:29,490,547, C>T. VCF-style: chr22-29490547-C-T. GRCh37 (hg19) VCF-style: chr22-29886536-C-T.
Other names: c.2907C>T (NM_021076.3).
Identifiers: ClinVar variation 2991754 (VCV002991754.4), dbSNP rs1356813178, ClinGen allele CA514339178.
Genomic context (GRCh38, chr22:29,490,547, plus strand): 5'-GGCAGCACCGGAGAAAAAAGACACCAAGGAGGAGAAGGCCAAGAAGCCTGAGGAGAAACC[C>T]AAGACAGAGGCCAAAGCCAAGGAAGATGACAAGACCCTCTCAAAAGAGCCTAGCAAGCCT-3'
Protein context (NP_066554.2, residues 959-979): EEKAKKPEEK[Pro969=]KTEAKAKEDD

ClinVar aggregate classification (germline): Likely benign. Review status: criteria provided, multiple submitters, no conflicts (2 of 4 stars). 2 submissions from 2 submitters: Likely benign (2). Last evaluated 2026-08-03.

Conditions:
NEFH-related disorder. Also called: NEFH-related condition.

Allele frequency attached by ClinVar (database versions not stated): TOPMed 0.00001; gnomAD 0.00003.
gnomAD v4.1: 14 of 1,612,046 alleles (0.00087%); highest among the groups gnomAD compares: African/African-American, 0.011%; no homozygotes.

Submissions (2):

PreventionGenetics, part of Exact Sciences
Classification: Likely benign for NEFH-related condition. Last evaluated: 2026-08-03. Review status: criteria provided, single submitter. Criteria: ACMG Guidelines, 2015. Collection method: clinical testing. Allele origin: germline.
Comment: This variant is classified as likely benign based on ACMG/AMP sequence variant interpretation guidelines (Richards et al. 2015 PMID: 25741868, with internal and published modifications).

Labcorp Genetics (formerly Invitae), Labcorp
Classification: Likely benign. Last evaluated: 2023-11-03. Review status: criteria provided, single submitter. Criteria: Invitae Variant Classification Sherloc (09022015). Collection method: clinical testing. Allele origin: germline.